The following is an entry in ClinVar:

ClinVar aggregate classification (germline): Uncertain significance. Review status: criteria provided, multiple submitters, no conflicts (2 of 4 stars). 2 submissions from 2 submitters: Uncertain significance (2). Last evaluated 2024-07-17.

Allele frequency attached by ClinVar (database versions not stated): gnomAD exomes 0.00001; ExAC 0.00002; gnomAD 0.00002; TOPMed 0.00003.
gnomAD v4.1: 7 of 1,613,974 alleles (0.00043%); highest among the groups gnomAD compares: African/African-American, 0.004%; no homozygotes.

Submissions (2):

Ambry Genetics
Classification: Uncertain significance. Last evaluated: 2024-07-17. Review status: criteria provided, single submitter. Criteria: Ambry Variant Classification Scheme 2023. Collection method: clinical testing. Allele origin: germline.

Labcorp Genetics (formerly Invitae), Labcorp
Classification: Uncertain significance. Last evaluated: 2022-04-17. Review status: criteria provided, single submitter. Criteria: Invitae Variant Classification Sherloc (09022015). Collection method: clinical testing. Allele origin: germline.
Comment: In summary, the available evidence is currently insufficient to determine the role of this variant in disease. Therefore, it has been classified as a Variant of Uncertain Significance. Algorithms developed to predict the effect of missense changes on protein structure and function are either unavailable or do not agree on the potential impact of this missense change (SIFT: "Deleterious"; PolyPhen-2: "Benign"; Align-GVGD: "Class C65"). This variant has not been reported in the literature in individuals affected with OPN1SW-related conditions. This variant is present in population databases (rs765180645, gnomAD 0.007%). This sequence change replaces isoleucine, which is neutral and non-polar, with threonine, which is neutral and polar, at codon 160 of the OPN1SW protein (p.Ile160Thr).

NM_001385125.1(OPN1SW):c.470T>C (p.Ile157Thr)

Gene: OPN1SW (opsin 1, short wave sensitive; minus strand). Cytogenetic location: 7q32.1.
Variant type: single nucleotide variant.
Coding change: c.470T>C on transcript NM_001385125.1 (MANE Select); coding-DNA position 470, T replaced by C.
Protein change: p.Ile157Thr; replaces isoleucine 157 with threonine.
Molecular consequence: missense variant.
Genome position (GRCh38, 1-based): chr7:128,775,028, A>G on the plus strand (T>C on the coding strand, the complement: OPN1SW is on the minus strand). VCF-style: chr7-128775028-A-G. GRCh37 (hg19) VCF-style: chr7-128415082-A-G.
Other names: NM_001708.2:c.479T>C; short protein forms I157T.
Identifiers: ClinVar variation 2127394 (VCV002127394.5), dbSNP rs765180645, ClinGen allele CA4472934.